The following is an entry in ClinVar:

ClinVar aggregate classification (germline): Uncertain significance (1 of 4 stars; one submission).

Allele frequency attached by ClinVar (database versions not stated): TOPMed below 0.00001.

Submission:

Labcorp Genetics (formerly Invitae), Labcorp
Classification: Uncertain significance. Last evaluated: 2022-12-06. Review status: criteria provided, single submitter. Criteria: Invitae Variant Classification Sherloc (09022015). Collection method: clinical testing. Allele origin: germline.
Comment: Algorithms developed to predict the effect of missense changes on protein structure and function are either unavailable or do not agree on the potential impact of this missense change (SIFT: "Not Available"; PolyPhen-2: "Probably Damaging"; Align-GVGD: "Not Available"). In summary, the available evidence is currently insufficient to determine the role of this variant in disease. Therefore, it has been classified as a Variant of Uncertain Significance. This variant has not been reported in the literature in individuals affected with TMPRSS15-related conditions. This variant is not present in population databases (gnomAD no frequency). This sequence change replaces asparagine, which is neutral and polar, with lysine, which is basic and polar, at codon 865 of the TMPRSS15 protein (p.Asn865Lys).

NM_002772.3(TMPRSS15):c.2595C>A (p.Asn865Lys)

Gene: TMPRSS15 (transmembrane serine protease 15; minus strand). Cytogenetic location: 21q21.1.
Variant type: single nucleotide variant.
Coding change: c.2595C>A on transcript NM_002772.3 (MANE Select); coding-DNA position 2595, C replaced by A.
Protein change: p.Asn865Lys; replaces asparagine 865 with lysine.
Molecular consequence: missense variant.
Genome position (GRCh38, 1-based): chr21:18,281,113, G>T on the plus strand (C>A on the coding strand, the complement: TMPRSS15 is on the minus strand). VCF-style: chr21-18281113-G-T. GRCh37 (hg19) VCF-style: chr21-19653430-G-T.
Other names: short protein forms N865K.
Identifiers: ClinVar variation 2127002 (VCV002127002.4), dbSNP rs2074692906, ClinGen allele CA409847992.